The following is an entry in ClinVar:

ClinVar aggregate classification (germline): Uncertain significance (1 of 4 stars; one submission).

Submission:

GeneDx
Classification: Uncertain significance. Last evaluated: 2016-12-12. Review status: criteria provided, single submitter. Criteria: GeneDx Variant Classification (06012015). Collection method: clinical testing. Allele origin: germline. Affected: yes.
Comment: The R1698P variant in the PKD1 gene has not been reported previously as a pathogenic variant, nor as a benign variant, to our knowledge. The R1698P variant was not observed in approximately 6,500 individuals of European and African American ancestry in the NHLBI Exome Sequencing Project, indicating it is not a common benign variant in these populations. The R1698P variant is a non-conservative amino acid substitution, which is likely to impact secondary protein structure as these residues differ in polarity, charge, size and/or other properties. However, this substitution occurs at a position that is not conserved and in silico analysis is inconsistent in its predictions as to whether or not the variant is damaging to the protein structure/function. We interpret R1698P as a variant of uncertain significance.

NM_001009944.3(PKD1):c.5093G>C (p.Arg1698Pro)

Gene: PKD1 (polycystin 1, transient receptor potential channel interacting; minus strand). Cytogenetic location: 16p13.3.
Variant type: single nucleotide variant.
Coding change: c.5093G>C on transcript NM_001009944.3 (MANE Select); coding-DNA position 5093, G replaced by C.
Protein change: p.Arg1698Pro; replaces arginine 1698 with proline.
Molecular consequence: missense variant.
Genome position (GRCh38, 1-based): chr16:2,110,074, C>G on the plus strand (G>C on the coding strand, the complement: PKD1 is on the minus strand). VCF-style: chr16-2110074-C-G. GRCh37 (hg19) VCF-style: chr16-2160075-C-G.
Other names: c.5093G>C, p.Arg1698Pro (NM_000296.4); short protein forms R1698P.
Identifiers: ClinVar variation 373679 (VCV000373679.1), dbSNP rs569887918, ClinGen allele CA16042937.